The following is an entry in ClinVar:

NM_024675.4(PALB2):c.2512C>G (p.Gln838Glu)

Gene: PALB2 (partner and localizer of BRCA2; minus strand). Cytogenetic location: 16p12.2.
Variant type: single nucleotide variant.
Coding change: c.2512C>G on transcript NM_024675.4 (MANE Select); coding-DNA position 2512, C replaced by G.
Protein change: p.Gln838Glu; replaces glutamine 838 with glutamic acid.
Molecular consequence: missense variant.
Genome position (GRCh38, 1-based): chr16:23,629,642, G>C on the plus strand (C>G on the coding strand, the complement: PALB2 is on the minus strand). VCF-style: chr16-23629642-G-C. GRCh37 (hg19) VCF-style: chr16-23640963-G-C.
Other names: short protein forms Q838E.
Identifiers: ClinVar variation 230460 (VCV000230460.22), dbSNP rs750650768, ClinGen allele CA10579963.

ClinVar aggregate classification (germline): Conflicting classifications of pathogenicity. Review status: criteria provided, conflicting classifications (1 of 4 stars). 6 submissions from 6 submitters: Uncertain significance (5); Likely benign (1). Last evaluated 2025-10-03.

Conditions:
Hereditary cancer-predisposing syndrome. Also called: Tumor predisposition; Hereditary neoplastic syndrome; Hereditary Cancer Syndrome; Neoplastic Syndromes, Hereditary. Identifiers: Orphanet 140162, MedGen C0027672, MeSH D009386, MONDO:0015356.
Familial cancer of breast. Also called: BREAST CANCER, FAMILIAL; Hereditary breast cancer; hereditary breast carcinoma. Identifiers: Orphanet 227535, MedGen C0346153, MONDO:0016419, OMIM 114480. Disease mechanism: loss of function.
Pancreatic cancer, susceptibility to, 3. Identifiers: Orphanet 1333, MedGen C3150547, MONDO:0013236, OMIM 613348.
Fanconi anemia complementation group N. Also called: PALB2-Related Fanconi Anemia. Identifiers: Orphanet 84, MedGen C1835817, MONDO:0012565, OMIM 610832. Disease mechanism: loss of function.

Allele frequency attached by ClinVar (database versions not stated): gnomAD 0.00001; gnomAD exomes below 0.00001.
gnomAD v4.1: 6 of 1,613,600 alleles (0.00037%); highest among the groups gnomAD compares: Non-Finnish European, 0.00051%; no homozygotes.

Submissions (6):

Labcorp Genetics (formerly Invitae), Labcorp
Classification: Uncertain significance for Familial cancer of breast. Last evaluated: 2025-10-03. Review status: criteria provided, single submitter. Criteria: Invitae Variant Classification Sherloc (09022015). Collection method: clinical testing. Allele origin: germline.
Comment: This sequence change replaces glutamine, which is neutral and polar, with glutamic acid, which is acidic and polar, at codon 838 of the PALB2 protein (p.Gln838Glu). This variant is present in population databases (rs750650768, gnomAD 0.007%). This variant has not been reported in the literature in individuals affected with PALB2-related conditions. ClinVar contains an entry for this variant (Variation ID: 230460). An algorithm developed to predict the effect of missense changes on protein structure and function (PolyPhen-2) suggests that this variant is likely to be disruptive. In summary, the available evidence is currently insufficient to determine the role of this variant in disease. Therefore, it has been classified as a Variant of Uncertain Significance.

Ambry Genetics
Classification: Likely benign for Hereditary cancer-predisposing syndrome. Last evaluated: 2025-01-31. Review status: criteria provided, single submitter. Criteria: Ambry Variant Classification Scheme 2023. Collection method: clinical testing. Allele origin: germline.

GeneDx
Classification: Uncertain significance. Last evaluated: 2025-01-23. Review status: criteria provided, single submitter. Criteria: GeneDx Variant Classification Process June 2021. Collection method: clinical testing. Allele origin: germline.
Comment: Not observed at significant frequency in large population cohorts (gnomAD); In silico analysis supports that this missense variant does not alter protein structure/function; Not observed in any cases, but was observed in unaffected controls from a breast cancer study (PMID: 28779002); This variant is associated with the following publications: (PMID: 24485656, 19609323, 28779002)

Baylor Genetics
Classification: Uncertain significance for Familial cancer of breast. Last evaluated: 2023-06-30. Review status: criteria provided, single submitter. Criteria: ACMG Guidelines, 2015. Collection method: clinical testing. Allele origin: unknown.

Fulgent Genetics
Classification: Uncertain significance for Familial cancer of breast; Fanconi anemia complementation group N; Pancreatic cancer, susceptibility to, 3. Last evaluated: 2022-04-28. Review status: criteria provided, single submitter. Criteria: ACMG Guidelines, 2015. Collection method: clinical testing. Allele origin: unknown.

Color Diagnostics, LLC DBA Color Health
Classification: Uncertain significance for Hereditary cancer-predisposing syndrome. Last evaluated: 2019-10-22. Review status: criteria provided, single submitter. Criteria: ACMG Guidelines, 2015. Collection method: clinical testing. Allele origin: germline.
Comment: This missense variant replaces glutamine with glutamic acid at codon 838 of the PALB2 protein. Computational prediction suggests that this variant may not impact protein structure and function (internally defined REVEL score threshold <= 0.5, PMID: 27666373). Splice site prediction tools are inconclusive regarding the impact of this variant on RNA splicing. To our knowledge, functional studies have not been performed for this variant. This variant has not been reported in individuals affected with hereditary cancer in the literature. This variant has been identified in 1/31406 chromosomes in the general population by the Genome Aggregation Database (gnomAD). The available evidence is insufficient to determine the role of this variant in disease conclusively. Therefore, this variant is classified as a Variant of Uncertain Significance.